The following is an entry in ClinVar:

ClinVar aggregate classification (germline): Pathogenic. Review status: criteria provided, multiple submitters, no conflicts (2 of 4 stars). 3 submissions from 3 submitters: Pathogenic (3). Last evaluated 2025-03-17.

Conditions:
Joubert syndrome. Also called: JOUBERT-BOLTSHAUSER SYNDROME; Familial aplasia of the vermis. Identifiers: Orphanet 475, MedGen C5979921, MONDO:0018772.
Meckel-Gruber syndrome. Also called: Dysencephalia splachnocystica; DYSENCEPHALIA SPLANCHNOCYSTICA; GRUBER SYNDROME. Identifiers: Orphanet 564, MedGen C0265215, MONDO:0018921.
Joubert syndrome 9 (JBTS9). Identifiers: Orphanet 2318, MedGen C2676788, MONDO:0012849, OMIM 612285.

Submissions (3):

Labcorp Genetics (formerly Invitae), Labcorp
Classification: Pathogenic for Joubert syndrome; Meckel-Gruber syndrome. Last evaluated: 2025-03-17. Review status: criteria provided, single submitter. Criteria: Invitae Variant Classification Sherloc (09022015). Collection method: clinical testing. Allele origin: germline.
Comment: This sequence change creates a premature translational stop signal (p.Gly217Glufs*41) in the CC2D2A gene. It is expected to result in an absent or disrupted protein product. Loss-of-function variants in CC2D2A are known to be pathogenic (PMID: 19777577). This variant is present in population databases (rs746415983, gnomAD 0.03%). This premature translational stop signal has been observed in individual(s) with COACH syndrome (PMID: 27848944). ClinVar contains an entry for this variant (Variation ID: 652726). For these reasons, this variant has been classified as Pathogenic.

Genomic Medicine Center of Excellence, King Faisal Specialist Hospital and Research Centre
Classification: Pathogenic for Joubert syndrome 9. Last evaluated: 2024-09-22. Review status: criteria provided, single submitter. Criteria: ACMG Guidelines, 2015. Collection method: clinical testing. Allele origin: germline.

Dubai Health Genomic Medicine Center, Dubai Health
Classification: Pathogenic for Joubert syndrome 9. Last evaluated: 2021-02-25. Review status: criteria provided, single submitter. Criteria: ACMG Guidelines, 2015. Collection method: clinical testing. Allele origin: germline. Affected: yes.
Comment: The Gly217Glufs*41 variant in CC2D2A has been previouslyreported in the homozygous state in one patient with abnormalities of brain morphology kidneys and polydactyly (PMID: 27848944). It was also identified in 7/24484 (0.028% 0 homozygotes) South Asian alleles in the Genome Aggregation Database (gnomAD). This frameshift variant is predicted to alter the protein's amino acid sequence beginning at position 217 and lead to a premature termination codon 41 amino acids downstream. This alteration is then predicted to lead to a truncated or absent protein. In summary this variant meets our criteria for pathogenicity.

Literature cited by the submitters: PubMed 19777577 (cited by Labcorp Genetics (formerly Invitae), Labcorp); PubMed 27848944 (cited by Labcorp Genetics (formerly Invitae), Labcorp).

NM_001378615.1(CC2D2A):c.650del (p.Gly217fs)

Genes: CC2D2A (coiled-coil and C2 domain containing 2A; plus strand), FBXL5 (F-box and leucine rich repeat protein 5; minus strand). Cytogenetic location: 4p15.32.
Variant type: Deletion.
Coding change: c.650del on transcript NM_001378615.1 (MANE Select); coding-DNA position 650, one base deleted (G; older notation c.650delG).
Protein change: p.Gly217fs; shifts the reading frame from glycine 217.
Molecular consequence: frameshift variant.
Genome position (GRCh38, 1-based): chr4:15,511,356, G deleted; the last of 3 consecutive G bases (chr4:15,511,354-15,511,356); deleting any one gives the same sequence. VCF-style (leftmost placement, unchanged base first): chr4-15511353-CG-C. GRCh37 (hg19) VCF-style: chr4-15512976-CG-C.
Other names: c.650delG (NM_001080522.2); c.650del, p.Gly217fs (NM_001080522.2); c.503del, p.Gly168fs (NM_001378617.1); short protein forms G217fs, G168fs.
Identifiers: ClinVar variation 652726 (VCV000652726.13), dbSNP rs746415983, ClinGen allele CA2863457.